The following is an entry in ClinVar:

NM_000455.5(STK11):c.735-5T>C

Gene: STK11 (serine/threonine kinase 11; plus strand). Cytogenetic location: 19p13.3.
Variant type: single nucleotide variant.
Coding change: c.735-5T>C on transcript NM_000455.5 (MANE Select); 5 bases into the intron before coding-DNA position 735, T replaced by C.
Molecular consequence: intron variant.
Genome position (GRCh38, 1-based): chr19:1,221,208, T>C. VCF-style: chr19-1221208-T-C. GRCh37 (hg19) VCF-style: chr19-1221207-T-C.
Identifiers: ClinVar variation 484996 (VCV000484996.7), dbSNP rs1555738608, ClinGen allele CA658656755.

ClinVar aggregate classification (germline): Conflicting classifications of pathogenicity. Review status: criteria provided, conflicting classifications (1 of 4 stars). 2 submissions from 2 submitters: Uncertain significance (1); Likely benign (1). Last evaluated 2025-03-27.

Conditions:
Hereditary cancer-predisposing syndrome. Also called: Hereditary neoplastic syndrome; Neoplastic Syndromes, Hereditary; Tumor predisposition; Hereditary Cancer Syndrome. Identifiers: Orphanet 140162, MedGen C0027672, MeSH D009386, MONDO:0015356.
Peutz-Jeghers syndrome (PJS). Also called: POLYPOSIS, HAMARTOMATOUS INTESTINAL; POLYPS-AND-SPOTS SYNDROME; Peutz-Jeghers polyposis; Periorificial lentiginosis syndrome. Identifiers: Orphanet 2869, MedGen C0031269, MeSH D010580, MONDO:0008280, OMIM 175200.

Allele frequency attached by ClinVar (database versions not stated): gnomAD exomes below 0.00001.
gnomAD v4.1: 1 of 1,611,466 alleles (0.000062%); highest among the groups gnomAD compares: Non-Finnish European, 0.000085%; no homozygotes.

Submissions (2):

Myriad Genetics, Inc.
Classification: Likely benign for Peutz-Jeghers syndrome. Last evaluated: 2025-03-27. Review status: criteria provided, single submitter. Criteria: Myriad Autosomal Dominant, Autosomal Recessive and X-Linked Classification Criteria (2023). Collection method: clinical testing. Allele origin: unknown.
Comment: This variant is considered likely benign. This variant is intronic and is not expected to impact mRNA splicing.

Ambry Genetics
Classification: Uncertain significance for Hereditary cancer-predisposing syndrome. Last evaluated: 2023-04-20. Review status: criteria provided, single submitter. Criteria: Ambry Variant Classification Scheme 2023. Collection method: clinical testing. Allele origin: germline.
Comment: The c.735-5T>C intronic variant results from a T to C substitution 5 nucleotides upstream from coding exon 6 in the STK11 gene. This nucleotide position is poorly conserved in available vertebrate species. In silico splice site analysis predicts that this alteration will not have any significant effect on splicing. Since supporting evidence is limited at this time, the clinical significance of this alteration remains unclear.